The following is an entry in ClinVar:

NM_000540.3(RYR1):c.5223C>G (p.Thr1741=)

Gene: RYR1 (ryanodine receptor 1; plus strand). Cytogenetic location: 19q13.2.
Variant type: single nucleotide variant.
Coding change: c.5223C>G on transcript NM_000540.3 (MANE Select); coding-DNA position 5223, C replaced by G.
Protein change: p.Thr1741=; no amino-acid change (threonine 1741 retained).
Molecular consequence: synonymous variant.
Genome position (GRCh38, 1-based): chr19:38,485,878, C>G. VCF-style: chr19-38485878-C-G. GRCh37 (hg19) VCF-style: chr19-38976518-C-G.
Other names: c.5223C>G, p.Thr1741= (NM_001042723.2).
Identifiers: ClinVar variation 2181204 (VCV002181204.5), dbSNP rs1246392222, ClinGen allele CA507353264.

ClinVar aggregate classification (germline): Likely benign. Review status: criteria provided, multiple submitters, no conflicts (2 of 4 stars). 2 submissions from 2 submitters: Likely benign (2). Last evaluated 2024-05-14.

Conditions:
RYR1-related disorder. Also called: RYR1-related condition; RYR1-related disorders. Identifiers: MedGen CN239331.
Malignant hyperthermia, susceptibility to, 1 (MHS1). Also called: Anesthesia related hyperthermia; Malignant hyperpyrexia; Fulminating hyperpyrexia; Pharmacogenic myopathy; RYR1-Related Malignant Hyperthermia Susceptibility; Malignant hyperthermia suceptibility 1. Identifiers: Orphanet 423, MedGen C2930980, MONDO:0007783, OMIM 145600.

Allele frequency attached by ClinVar (database versions not stated): gnomAD 0.00001.

Submissions (2):

All of Us Research Program, National Institutes of Health
Classification: Likely benign for Malignant hyperthermia, susceptibility to, 1. Last evaluated: 2024-05-14. Review status: criteria provided, single submitter. Criteria: ACMG Guidelines, 2015. Collection method: clinical testing. Allele origin: germline. Inheritance: Autosomal dominant inheritance. Observed: 1 variant allele, 1 heterozygote.
Comment: This study involves interpretation of variants in research participants for the purpose of population health screening. Participant phenotype was not available at the time of variant classification. Additional details can be found in publication PMID: 35346344, PMCID: PMC8962531

Labcorp Genetics (formerly Invitae), Labcorp
Classification: Likely benign for RYR1-related disorder. Last evaluated: 2022-03-26. Review status: criteria provided, single submitter. Criteria: Invitae Variant Classification Sherloc (09022015). Collection method: clinical testing. Allele origin: germline.